The following is an entry in ClinVar:

NM_014714.4(IFT140):c.14A>T (p.Tyr5Phe)

Genes: IFT140 (intraflagellar transport 140; minus strand), LOC105371046 (uncharacterized LOC105371046; plus strand). Cytogenetic location: 16p13.3.
Variant type: single nucleotide variant.
Coding change: c.14A>T on transcript NM_014714.4 (MANE Select); coding-DNA position 14, A replaced by T.
Protein change: p.Tyr5Phe; replaces tyrosine 5 with phenylalanine.
Molecular consequence: missense variant.
Genome position (GRCh38, 1-based): chr16:1,607,253, T>A on the plus strand (A>T on the coding strand, the complement: IFT140 is on the minus strand). VCF-style: chr16-1607253-T-A. GRCh37 (hg19) VCF-style: chr16-1657254-T-A.
Other names: c.14A>T (NM_014714.3); short protein forms Y5F.
Identifiers: ClinVar variation 2199344 (VCV002199344.5), dbSNP rs1049601354, ClinGen allele CA276686139.

ClinVar aggregate classification (germline): Conflicting classifications of pathogenicity. Review status: criteria provided, conflicting classifications (1 of 4 stars). 2 submissions from 2 submitters: Uncertain significance (1); Likely benign (1). Last evaluated 2025-08-05.

Conditions:
Saldino-Mainzer syndrome (SRTD9). Also called: short-rib thoracic dysplasia 9 with or without polydactyly; CONORENAL SYNDROME; Renal dysplasia, retinal pigmentary dystrophy, cerebellar ataxia and skeletal dysplasia; SHORT-RIB THORACIC DYSPLASIA 9 WITHOUT POLYDACTYLY. Identifiers: Orphanet 140969, MedGen C1849437, MONDO:0009964, OMIM 266920.
Inborn genetic diseases. Identifiers: MedGen C0950123, MeSH D030342.

Allele frequency attached by ClinVar (database versions not stated): TOPMed below 0.00001.

Submissions (2):

Ambry Genetics
Classification: Likely benign for Inborn genetic diseases. Last evaluated: 2025-08-05. Review status: criteria provided, single submitter. Criteria: Ambry Variant Classification Scheme 2023. Collection method: clinical testing. Allele origin: germline.

Labcorp Genetics (formerly Invitae), Labcorp
Classification: Uncertain significance for Saldino-Mainzer syndrome. Last evaluated: 2022-06-06. Review status: criteria provided, single submitter. Criteria: Invitae Variant Classification Sherloc (09022015). Collection method: clinical testing. Allele origin: germline.
Comment: This sequence change replaces tyrosine, which is neutral and polar, with phenylalanine, which is neutral and non-polar, at codon 5 of the IFT140 protein (p.Tyr5Phe). This variant is not present in population databases (gnomAD no frequency). This variant has not been reported in the literature in individuals affected with IFT140-related conditions. Algorithms developed to predict the effect of missense changes on protein structure and function output the following: SIFT: "Tolerated"; PolyPhen-2: "Benign"; Align-GVGD: "Class C0". The phenylalanine amino acid residue is found in multiple mammalian species, which suggests that this missense change does not adversely affect protein function. In summary, the available evidence is currently insufficient to determine the role of this variant in disease. Therefore, it has been classified as a Variant of Uncertain Significance.